The following is an entry in ClinVar:

ClinVar aggregate classification (germline): Likely benign (1 of 4 stars; one submission).

gnomAD v4.1: 1 of 1,613,402 alleles (0.000062%); highest among the groups gnomAD compares: Middle Eastern, 0.016%; no homozygotes.

Submission:

GeneDx
Classification: Likely benign. Last evaluated: 2018-05-31. Review status: criteria provided, single submitter. Criteria: GeneDx Variant Classification (06012015). Collection method: clinical testing. Allele origin: germline. Affected: yes.
Comment: This variant is considered likely benign or benign based on one or more of the following criteria: it is a conservative change, it occurs at a poorly conserved position in the protein, it is predicted to be benign by multiple in silico algorithms, and/or has population frequency not consistent with disease.

NM_003482.4(KMT2D):c.13531-11A>C

Gene: KMT2D (lysine methyltransferase 2D; minus strand). Cytogenetic location: 12q13.12.
Variant type: single nucleotide variant.
Coding change: c.13531-11A>C on transcript NM_003482.4 (MANE Select); 11 bases into the intron before coding-DNA position 13531, A replaced by C.
Molecular consequence: intron variant.
Genome position (GRCh38, 1-based): chr12:49,031,044, T>G on the plus strand (A>C on the coding strand, the complement: KMT2D is on the minus strand). VCF-style: chr12-49031044-T-G. GRCh37 (hg19) VCF-style: chr12-49424827-T-G.
Identifiers: ClinVar variation 668416 (VCV000668416.1), dbSNP rs1592114684, ClinGen allele CA915948274.